The following is an entry in ClinVar:

NM_001242672.3(TTC34):c.1362C>G (p.Arg454=)

Gene: TTC34 (tetratricopeptide repeat domain 34; minus strand). Cytogenetic location: 1p36.32.
Variant type: single nucleotide variant.
Coding change: c.1362C>G on transcript NM_001242672.3 (MANE Select); coding-DNA position 1362, C replaced by G.
Protein change: p.Arg454=; no amino-acid change (arginine 454 retained).
Molecular consequence: synonymous variant.
Genome position (GRCh38, 1-based): chr1:2,789,769, G>C on the plus strand (C>G on the coding strand, the complement: TTC34 is on the minus strand). VCF-style: chr1-2789769-G-C. GRCh37 (hg19) VCF-style: chr1-2706334-G-C.
Identifiers: ClinVar variation 2638091 (VCV002638091.24), dbSNP rs537229877, ClinGen allele CA17028115.

ClinVar aggregate classification (germline): Likely benign (1 of 4 stars; one submission).

Allele frequency attached by ClinVar (database versions not stated): TOPMed 0.00013; gnomAD 0.00019; gnomAD exomes 0.00024; 1000 Genomes Project 30x 0.00031; 1000 Genomes Project 0.00040.
gnomAD v4.1: 134 of 580,022 alleles (0.023%); highest among the groups gnomAD compares: South Asian, 0.14%; no homozygotes.

Submission:

CeGaT Center for Human Genetics Tuebingen
Classification: Likely benign. Last evaluated: 2022-07-01. Review status: criteria provided, single submitter. Criteria: CeGaT Center For Human Genetics Tuebingen Variant Classification Criteria Version 2. Collection method: clinical testing. Allele origin: germline. Affected: yes. Observed: 1 variant allele.
Comment: TTC34: BP4, BP7